The following is an entry in ClinVar:

NM_198994.3(TGM6):c.477C>T (p.Ser159=)

Gene: TGM6 (transglutaminase 6; plus strand). Cytogenetic location: 20p13.
Variant type: single nucleotide variant.
Coding change: c.477C>T on transcript NM_198994.3 (MANE Select); coding-DNA position 477, C replaced by T.
Protein change: p.Ser159=; no amino-acid change (serine 159 retained).
Molecular consequence: synonymous variant.
Genome position (GRCh38, 1-based): chr20:2,396,558, C>T. VCF-style: chr20-2396558-C-T. GRCh37 (hg19) VCF-style: chr20-2377204-C-T.
Other names: p.Ser159=; c.477C>T, p.Ser159= (NM_001254734.2).
Identifiers: ClinVar variation 337906 (VCV000337906.18), dbSNP rs16984872, ClinGen allele CA9731665.

ClinVar aggregate classification (germline): Benign. Review status: criteria provided, multiple submitters, no conflicts (2 of 4 stars). 9 submissions from 9 submitters: Benign (6). 3 of the submissions do not count toward it. Last evaluated 2026-01-28.

Conditions:
TGM6-related disorder. Also called: TGM6-related condition.
Spinocerebellar ataxia type 35. Identifiers: Orphanet 276193, MedGen C3888031, MONDO:0013485, OMIM 613908.

Allele frequency attached by ClinVar (database versions not stated): gnomAD exomes 0.01095; ExAC 0.01630; gnomAD 0.03738 and 0.03978; 1000 Genomes Project 0.03854; ESP Exome Variant Server 0.04106; 1000 Genomes Project 30x 0.04154; TOPMed 0.04401.
gnomAD v4.1: 22,128 of 1,614,160 alleles (1.4%); highest among the groups gnomAD compares: African/African-American, 11%; 568 homozygotes.

Submissions (9):

Labcorp Genetics (formerly Invitae), Labcorp
Classification: Benign. Last evaluated: 2026-01-28. Review status: criteria provided, single submitter. Criteria: Invitae Variant Classification Sherloc (09022015). Collection method: clinical testing. Allele origin: germline.

Athena Diagnostics
Classification: Benign. Last evaluated: 2023-12-08. Review status: criteria provided, single submitter. Criteria: Athena Diagnostics Criteria. Collection method: clinical testing. Allele origin: unknown.

Mayo Clinic Laboratories, Mayo Clinic
Classification: Benign. Last evaluated: 2023-08-27. Review status: criteria provided, single submitter. Criteria: ACMG Guidelines, 2015. Collection method: clinical testing. Allele origin: germline. Observed: 18 variant alleles.

GeneDx
Classification: Benign. Last evaluated: 2021-05-05. Review status: criteria provided, single submitter. Criteria: GeneDx Variant Classification Process June 2021. Collection method: clinical testing. Allele origin: germline. Affected: yes.

Illumina Laboratory Services, Illumina
Classification: Benign for Spinocerebellar ataxia type 35. Last evaluated: 2018-01-13. Review status: criteria provided, single submitter. Criteria: ICSL Variant Classification Criteria 13 December 2019. Collection method: clinical testing. Allele origin: germline.
Comment: This variant was observed in the ICSL laboratory as part of a predisposition screen in an ostensibly healthy population. It had not been previously curated by ICSL or reported in the Human Gene Mutation Database (HGMD: prior to June 1st, 2018), and was therefore a candidate for classification through an automated scoring system. Utilizing variant allele frequency, disease prevalence and penetrance estimates, and inheritance mode, an automated score was calculated to assess if this variant is too frequent to cause the disease. Based on the score and internal cut-off values, a variant classified as benign is not then subjected to further curation. The score for this variant resulted in a classification of benign for this disease.

Breakthrough Genomics
Classification: Benign. Review status: criteria provided, single submitter. Criteria: ACMG Guidelines, 2015. Collection method: not provided. Allele origin: germline. Inheritance: Autosomal dominant inheritance. Affected: yes.

PreventionGenetics, part of Exact Sciences
Classification: Benign for TGM6-related condition. Last evaluated: 2019-10-24. Review status: no assertion criteria provided. Collection method: clinical testing. Allele origin: germline. Not counted in ClinVar's aggregate classification.
Comment: This variant is classified as benign based on ACMG/AMP sequence variant interpretation guidelines (Richards et al. 2015 PMID: 25741868, with internal and published modifications).

Clinical Genetics DNA and cytogenetics Diagnostics Lab, Erasmus MC, Erasmus Medical Center
Classification: Benign. Review status: no assertion criteria provided. Collection method: clinical testing. Allele origin: germline. Affected: yes. Study: VKGL Data-share Consensus. Not counted in ClinVar's aggregate classification.

Joint Genome Diagnostic Labs from Nijmegen and Maastricht, Radboudumc and MUMC+
Classification: Benign. Review status: no assertion criteria provided. Collection method: clinical testing. Allele origin: germline. Affected: yes. Study: VKGL Data-share Consensus. Not counted in ClinVar's aggregate classification.